The following is an entry in ClinVar:

NM_001278116.2(L1CAM):c.3500C>T (p.Pro1167Leu)

Gene: L1CAM (L1 cell adhesion molecule; minus strand). Cytogenetic location: Xq28.
Variant type: single nucleotide variant.
Coding change: c.3500C>T on transcript NM_001278116.2 (MANE Select); coding-DNA position 3500, C replaced by T.
Protein change: p.Pro1167Leu; replaces proline 1167 with leucine.
Molecular consequence: missense variant.
Genome position (GRCh38, 1-based): chrX:153,863,507, G>A on the plus strand (C>T on the coding strand, the complement: L1CAM is on the minus strand). VCF-style: chrX-153863507-G-A. GRCh37 (hg19) VCF-style: chrX-153128962-G-A.
Other names: c.3500C>T, p.Pro1167Leu (NM_000425.5, NM_024003.3); c.3485C>T, p.Pro1162Leu (NM_001143963.2); short protein forms P1162L, P1167L.
Identifiers: ClinVar variation 1012673 (VCV001012673.43), dbSNP rs2064682269, ClinGen allele CA415108622.

ClinVar aggregate classification (germline): Conflicting classifications of pathogenicity. Review status: criteria provided, conflicting classifications (1 of 4 stars). 2 submissions from 2 submitters: Likely pathogenic (1); Uncertain significance (1). Last evaluated 2023-09-14.

Submissions (2):

GeneDx
Classification: Likely pathogenic. Last evaluated: 2023-09-14. Review status: criteria provided, single submitter. Criteria: GeneDx Variant Classification Process June 2021. Collection method: clinical testing. Allele origin: germline. Affected: yes.
Comment: Not observed in large population cohorts (gnomAD); In silico analysis supports that this missense variant has a deleterious effect on protein structure/function; Has not been previously published as pathogenic or benign to our knowledge; This variant is associated with the following publications: (PMID: 25641508)

CeGaT Center for Human Genetics Tuebingen
Classification: Uncertain significance. Last evaluated: 2020-12-01. Review status: criteria provided, single submitter. Criteria: CeGaT Center For Human Genetics Tuebingen Variant Classification Criteria Version 2. Collection method: clinical testing. Allele origin: germline. Affected: yes. Observed: 1 variant allele.